The following is an entry in ClinVar:

ClinVar aggregate classification (germline): Uncertain significance (1 of 4 stars; one submission).

gnomAD v4.1: 1 of 1,575,402 alleles (0.000063%); highest among the groups gnomAD compares: Non-Finnish European, 0.000086%; no homozygotes.

Submission:

Labcorp Genetics (formerly Invitae), Labcorp
Classification: Uncertain significance. Last evaluated: 2022-04-28. Review status: criteria provided, single submitter. Criteria: Invitae Variant Classification Sherloc (09022015). Collection method: clinical testing. Allele origin: germline.
Comment: This sequence change replaces threonine, which is neutral and polar, with asparagine, which is neutral and polar, at codon 75 of the GHRHR protein (p.Thr75Asn). In summary, the available evidence is currently insufficient to determine the role of this variant in disease. Therefore, it has been classified as a Variant of Uncertain Significance. Algorithms developed to predict the effect of missense changes on protein structure and function are either unavailable or do not agree on the potential impact of this missense change (SIFT: "Deleterious"; PolyPhen-2: "Benign"; Align-GVGD: "Class C0"). This variant has not been reported in the literature in individuals affected with GHRHR-related conditions. This variant is not present in population databases (gnomAD no frequency).

NM_000823.4(GHRHR):c.224C>A (p.Thr75Asn)

Gene: GHRHR (growth hormone releasing hormone receptor; plus strand). Cytogenetic location: 7p14.3.
Variant type: single nucleotide variant.
Coding change: c.224C>A on transcript NM_000823.4 (MANE Select); coding-DNA position 224, C replaced by A.
Protein change: p.Thr75Asn; replaces threonine 75 with asparagine.
Molecular consequence: missense variant.
Genome position (GRCh38, 1-based): chr7:30,969,126, C>A. VCF-style: chr7-30969126-C-A. GRCh37 (hg19) VCF-style: chr7-31008741-C-A.
Other names: short protein forms T75N.
Identifiers: ClinVar variation 2131375 (VCV002131375.4), dbSNP rs1482366707, ClinGen allele CA367149680.